The following is an entry in ClinVar:

NM_000246.4(CIITA):c.1099C>T (p.Gln367Ter)

Gene: CIITA (class II major histocompatibility complex transactivator; plus strand). Cytogenetic location: 16p13.13.
Variant type: single nucleotide variant.
Coding change: c.1099C>T on transcript NM_000246.4 (MANE Select); coding-DNA position 1099, C replaced by T.
Protein change: p.Gln367Ter; replaces glutamine 367 with a stop codon.
Molecular consequence: nonsense. On other transcripts: intron variant (1).
Genome position (GRCh38, 1-based): chr16:10,906,591, C>T. VCF-style: chr16-10906591-C-T. GRCh37 (hg19) VCF-style: chr16-11000448-C-T.
Other names: c.1102C>T, p.Gln368Ter (NM_001286402.1, NM_001379332.1); c.955C>T, p.Gln319Ter (NM_001379330.1); c.952C>T, p.Gln318Ter (NM_001379331.1); c.1099C>T, p.Gln367Ter (NM_001379333.1); c.1030C>T, p.Gln344Ter (NM_001379334.1); c.859+1779C>T (NM_001286403.2); short protein forms Q319*, Q344*, Q367*, Q318*, Q368*.
Identifiers: ClinVar variation 1998120 (VCV001998120.4), dbSNP rs2544469716, ClinGen allele CA394729770.
Genomic context (GRCh38, chr16:10,906,591, plus strand): 5'-GACACGTATGGTGCCGAGCCCGCAGGCCCGGATGGCATCCTAGTGGAGGTGGATCTGGTG[C>T]AGGCCAGGCTGGAGAGGAGCAGCAGCAAGAGCCTGGAGCGGGAACTGGCCACCCCGGACT-3'

ClinVar aggregate classification (germline): Pathogenic (1 of 4 stars; one submission).

Conditions:
MHC class II deficiency. Also called: Bare lymphocyte syndrome 2; BLS, TYPE II. Identifiers: Orphanet 572, MedGen C5447452, MONDO:0008855.

Submission:

Labcorp Genetics (formerly Invitae), Labcorp
Classification: Pathogenic for MHC class II deficiency. Last evaluated: 2023-08-09. Review status: criteria provided, single submitter. Criteria: Invitae Variant Classification Sherloc (09022015). Collection method: clinical testing. Allele origin: germline.
Comment: For these reasons, this variant has been classified as Pathogenic. ClinVar contains an entry for this variant (Variation ID: 1998120). This variant has not been reported in the literature in individuals affected with CIITA-related conditions. This variant is not present in population databases (gnomAD no frequency). This sequence change creates a premature translational stop signal (p.Gln367*) in the CIITA gene. It is expected to result in an absent or disrupted protein product. Loss-of-function variants in CIITA are known to be pathogenic (PMID: 8402893, 9099848, 26271388).

Literature cited by the submitters: PubMed 8402893; PubMed 9099848; PubMed 26271388.